The following is an entry in ClinVar:

ClinVar aggregate classification (germline): Uncertain significance (1 of 4 stars; one submission).

Conditions:
Thrombocytopenia. Identifiers: MedGen C0040034, MeSH D013921, MONDO:0002049, HP:0001873.

Submission:

ISTH-SSC Genomics in Thrombosis and Hemostasis, KU Leuven, Center for Molecular and Vascular Biology
Classification: Uncertain significance for Thrombocytopenia. Review status: criteria provided, single submitter. Criteria: ACMG Guidelines, 2015. Collection method: clinical testing. Allele origin: germline. Affected: yes. Observed: 1 compound heterozygote.
Comment: Submitted to the GoldVariant database by Dr Marie-Christine Morel-Kopp; Northern Blood Research Centre, Sydney, Australia

NM_000552.5(VWF):c.8418C>G (p.Cys2806Trp)

Gene: VWF (von Willebrand factor; minus strand). Cytogenetic location: 12p13.31.
Variant type: single nucleotide variant.
Coding change: c.8418C>G on transcript NM_000552.5 (MANE Select); coding-DNA position 8418, C replaced by G.
Protein change: p.Cys2806Trp; replaces cysteine 2806 with tryptophan.
Molecular consequence: missense variant.
Genome position (GRCh38, 1-based): chr12:5,949,039, G>C on the plus strand (C>G on the coding strand, the complement: VWF is on the minus strand). VCF-style: chr12-5949039-G-C. GRCh37 (hg19) VCF-style: chr12-6058205-G-C.
Other names: short protein forms C2806W.
Identifiers: ClinVar variation 2572116 (VCV002572116.1), dbSNP rs2497343198, ClinGen allele CA383486234.
Genomic context (GRCh38, chr12:5,949,039, plus strand): 5'-CAGGCAGCAGCAGGCACCCATGCAGCTGCAGCAGCCTCACTTGCTGCACTTCCTGGGGGA[G>C]CATTTGCACTCCATGGCATTGAGAACCTCATGGTACACAACAGAGCCATTGGTGCAGTGC-3'
Protein context (NP_000543.3, residues 2796-2813): HEVLNAMECK[Cys2806Trp]SPRKCSK